The following is an entry in ClinVar:

ClinVar aggregate classification (germline): Uncertain significance (1 of 4 stars; one submission).

Conditions:
Disseminated atypical mycobacterial infection. Identifiers: MedGen C0694566.

Allele frequency attached by ClinVar (database versions not stated): ExAC 0.00001; gnomAD exomes 0.00001; ESP Exome Variant Server 0.00008.
gnomAD v4.1: 11 of 1,598,366 alleles (0.00069%); highest among the groups gnomAD compares: Admixed American, 0.0017%; no homozygotes.

Submission:

Labcorp Genetics (formerly Invitae), Labcorp
Classification: Uncertain significance for Disseminated atypical mycobacterial infection. Last evaluated: 2024-01-05. Review status: criteria provided, single submitter. Criteria: Invitae Variant Classification Sherloc (09022015). Collection method: clinical testing. Allele origin: germline.
Comment: This sequence change falls in intron 6 of the IFNGR1 gene. It does not directly change the encoded amino acid sequence of the IFNGR1 protein. This variant is present in population databases (rs368215831, gnomAD 0.02%). This variant has not been reported in the literature in individuals affected with IFNGR1-related conditions. Algorithms developed to predict the effect of sequence changes on RNA splicing suggest that this variant may create or strengthen a splice site. In summary, the available evidence is currently insufficient to determine the role of this variant in disease. Therefore, it has been classified as a Variant of Uncertain Significance.

NM_000416.3(IFNGR1):c.862-16A>G

Gene: IFNGR1 (interferon gamma receptor 1; minus strand). Cytogenetic location: 6q23.3.
Variant type: single nucleotide variant.
Coding change: c.862-16A>G on transcript NM_000416.3 (MANE Select); 16 bases into the intron before coding-DNA position 862, A replaced by G.
Molecular consequence: intron variant.
Genome position (GRCh38, 1-based): chr6:137,198,655, T>C on the plus strand (A>G on the coding strand, the complement: IFNGR1 is on the minus strand). VCF-style: chr6-137198655-T-C. GRCh37 (hg19) VCF-style: chr6-137519792-T-C.
Other names: c.832-16A>G (NM_001363526.1); c.739-16A>G (NM_001363527.1).
Identifiers: ClinVar variation 3011773 (VCV003011773.3), dbSNP rs368215831, ClinGen allele CA4018853.